The following is an entry in ClinVar:

NM_000465.4(BARD1):c.181G>A (p.Val61Met)

Gene: BARD1 (BRCA1 associated RING domain 1; minus strand). Cytogenetic location: 2q35.
Variant type: single nucleotide variant.
Coding change: c.181G>A on transcript NM_000465.4 (MANE Select); coding-DNA position 181, G replaced by A.
Protein change: p.Val61Met; replaces valine 61 with methionine.
Molecular consequence: missense variant. On other transcripts: non-coding transcript variant (2), intron variant (2).
Genome position (GRCh38, 1-based): chr2:214,797,095, C>T on the plus strand (G>A on the coding strand, the complement: BARD1 is on the minus strand). VCF-style: chr2-214797095-C-T. GRCh37 (hg19) VCF-style: chr2-215661819-C-T.
Other names: c.181G>A (NM_000465.2); c.181G>A, p.Val61Met (NM_001282545.2, NM_001282549.2); c.158+12317G>A (NM_001282548.2); c.159-4650G>A (NM_001282543.2); short protein forms V61M.
Identifiers: ClinVar variation 1390652 (VCV001390652.8), dbSNP rs2106145664, ClinGen allele CA350462272.
Genomic context (GRCh38, chr2:214,797,095, plus strand): 5'-ATATACATCAAACCGTAATTACTTACCTACAGAAGATGTGCTCACATCCTCCTAAACACA[C>T]AGGCTCTCTCAGAATGTTAGTACTGTTTGAAGAAATTAAAACAATCAAGATTTGAGTCAT-3'
Protein context (NP_000456.2, residues 51-71): SRCTNILREP[Val61Met]CLGGCEHIFC

ClinVar aggregate classification (germline): Uncertain significance. Review status: criteria provided, multiple submitters, no conflicts (2 of 4 stars). 2 submissions from 2 submitters: Uncertain significance (2). Last evaluated 2024-11-03.

Conditions:
Hereditary cancer-predisposing syndrome. Also called: Neoplastic Syndromes, Hereditary; Tumor predisposition; Hereditary neoplastic syndrome; Hereditary Cancer Syndrome. Identifiers: Orphanet 140162, MedGen C0027672, MeSH D009386, MONDO:0015356.
Familial cancer of breast. Also called: BREAST CANCER, FAMILIAL; Hereditary breast cancer; hereditary breast carcinoma. Identifiers: Orphanet 227535, MedGen C0346153, MONDO:0016419, OMIM 114480. Disease mechanism: loss of function.

Submissions (2):

Labcorp Genetics (formerly Invitae), Labcorp
Classification: Uncertain significance for Familial cancer of breast. Last evaluated: 2024-11-03. Review status: criteria provided, single submitter. Criteria: Invitae Variant Classification Sherloc (09022015). Collection method: clinical testing. Allele origin: germline.
Comment: This sequence change replaces valine, which is neutral and non-polar, with methionine, which is neutral and non-polar, at codon 61 of the BARD1 protein (p.Val61Met). This variant is not present in population databases (gnomAD no frequency). This variant has not been reported in the literature in individuals affected with BARD1-related conditions. ClinVar contains an entry for this variant (Variation ID: 1390652). An algorithm developed to predict the effect of missense changes on protein structure and function (PolyPhen-2) suggests that this variant is likely to be disruptive. In summary, the available evidence is currently insufficient to determine the role of this variant in disease. Therefore, it has been classified as a Variant of Uncertain Significance.

Ambry Genetics
Classification: Uncertain significance for Hereditary cancer-predisposing syndrome. Last evaluated: 2023-04-05. Review status: criteria provided, single submitter. Criteria: Ambry Variant Classification Scheme 2023. Collection method: clinical testing. Allele origin: germline.
Comment: The p.V61M variant (also known as c.181G>A), located in coding exon 2 of the BARD1 gene, results from a G to A substitution at nucleotide position 181. The valine at codon 61 is replaced by methionine, an amino acid with highly similar properties. This amino acid position is highly conserved in available vertebrate species. In addition, the in silico prediction for this alteration is inconclusive. Since supporting evidence is limited at this time, the clinical significance of this alteration remains unclear.